The following is an entry in ClinVar:

NM_000051.4(ATM):c.1278T>G (p.Ser426Arg)

Gene: ATM (ATM serine/threonine kinase; plus strand). Cytogenetic location: 11q22.3.
Variant type: single nucleotide variant.
Coding change: c.1278T>G on transcript NM_000051.4 (MANE Select); coding-DNA position 1278, T replaced by G.
Protein change: p.Ser426Arg; replaces serine 426 with arginine.
Molecular consequence: missense variant.
Genome position (GRCh38, 1-based): chr11:108,250,743, T>G. VCF-style: chr11-108250743-T-G. GRCh37 (hg19) VCF-style: chr11-108121470-T-G.
Other names: c.1278T>G, p.Ser426Arg (NM_001351834.2); short protein forms S426R.
Identifiers: ClinVar variation 1415704 (VCV001415704.8), dbSNP rs2135317047, ClinGen allele CA382533467.

ClinVar aggregate classification (germline): Uncertain significance (1 of 4 stars; one submission).

Conditions:
Ataxia-telangiectasia syndrome (AT). Also called: LOUIS-BAR SYNDROME; Cerebello-oculocutaneous telangiectasia; Immunodeficiency with ataxia telangiectasia; ATAXIA-TELANGIECTASIA, COMPLEMENTATION GROUP A; ATAXIA-TELANGIECTASIA, FRESNO VARIANT; Ataxia-telangiectasia, complementation group D. Identifiers: Orphanet 100, MedGen C0004135, MONDO:0008840, OMIM 208900.

Submission:

Labcorp Genetics (formerly Invitae), Labcorp
Classification: Uncertain significance for Ataxia-telangiectasia syndrome. Last evaluated: 2021-03-22. Review status: criteria provided, single submitter. Criteria: Invitae Variant Classification Sherloc (09022015). Collection method: clinical testing. Allele origin: germline.
Comment: Advanced modeling of protein sequence and biophysical properties (such as structural, functional, and spatial information, amino acid conservation, physicochemical variation, residue mobility, and thermodynamic stability) performed at Invitae indicates that this missense variant is not expected to disrupt ATM protein function. This variant has not been reported in the literature in individuals with ATM-related conditions. This variant is not present in population databases (ExAC no frequency). This sequence change replaces serine with arginine at codon 426 of the ATM protein (p.Ser426Arg). The serine residue is moderately conserved and there is a moderate physicochemical difference between serine and arginine. In summary, the available evidence is currently insufficient to determine the role of this variant in disease. Therefore, it has been classified as a Variant of Uncertain Significance.